The following is an entry in ClinVar:

ClinVar aggregate classification (germline): Uncertain significance. Review status: criteria provided, multiple submitters, no conflicts (2 of 4 stars). 2 submissions from 2 submitters: Uncertain significance (2). Last evaluated 2024-05-09.

Conditions:
Inborn genetic diseases. Identifiers: MedGen C0950123, MeSH D030342.
Charcot-Marie-Tooth disease axonal type 2V. Also called: CHARCOT-MARIE-TOOTH NEUROPATHY, TYPE 2V; CHARCOT-MARIE-TOOTH DISEASE, AXONAL, AUTOSOMAL DOMINANT, TYPE 2V. Identifiers: Orphanet 447964, MedGen C5569050, MONDO:0014665, OMIM 616491.
Mucopolysaccharidosis, MPS-III-B (MPS3B). Also called: MPS IIIB (Sanfilippo Syndrome Type B); N-ACETYL-ALPHA-D-GLUCOSAMINIDASE DEFICIENCY; NAGLU DEFICIENCY; MUCOPOLYSACCHARIDOSIS, TYPE IIIB; Mucopolysaccharidosis type IIIB (Sanfilippo B); SANFILIPPO SYNDROME B. Identifiers: Orphanet 79270, MedGen C0086648, MONDO:0009656, OMIM 252920.

Allele frequency attached by ClinVar (database versions not stated): gnomAD 0.00001; TOPMed 0.00001; gnomAD exomes below 0.00001.
gnomAD v4.1: 3 of 1,613,058 alleles (0.00019%); highest among the groups gnomAD compares: East Asian, 0.0022%; no homozygotes.

Submissions (2):

Ambry Genetics
Classification: Uncertain significance for Inborn genetic diseases. Last evaluated: 2024-05-09. Review status: criteria provided, single submitter. Criteria: Ambry Variant Classification Scheme 2023. Collection method: clinical testing. Allele origin: germline.

Labcorp Genetics (formerly Invitae), Labcorp
Classification: Uncertain significance for Charcot-Marie-Tooth disease axonal type 2V; Mucopolysaccharidosis, MPS-III-B. Last evaluated: 2023-08-17. Review status: criteria provided, single submitter. Criteria: Invitae Variant Classification Sherloc (09022015). Collection method: clinical testing. Allele origin: germline.
Comment: This sequence change replaces proline, which is neutral and non-polar, with leucine, which is neutral and non-polar, at codon 554 of the NAGLU protein (p.Pro554Leu). The frequency data for this variant in the population databases is considered unreliable, as metrics indicate poor data quality at this position in the gnomAD database. This variant has not been reported in the literature in individuals affected with NAGLU-related conditions. ClinVar contains an entry for this variant (Variation ID: 1374359). Advanced modeling of protein sequence and biophysical properties (such as structural, functional, and spatial information, amino acid conservation, physicochemical variation, residue mobility, and thermodynamic stability) has been performed at Invitae for this missense variant, however the output from this modeling did not meet the statistical confidence thresholds required to predict the impact of this variant on NAGLU protein function. In summary, the available evidence is currently insufficient to determine the role of this variant in disease. Therefore, it has been classified as a Variant of Uncertain Significance.

NM_000263.4(NAGLU):c.1661C>T (p.Pro554Leu)

Gene: NAGLU (N-acetyl-alpha-glucosaminidase; plus strand). Cytogenetic location: 17q21.2.
Variant type: single nucleotide variant.
Coding change: c.1661C>T on transcript NM_000263.4 (MANE Select); coding-DNA position 1661, C replaced by T.
Protein change: p.Pro554Leu; replaces proline 554 with leucine.
Molecular consequence: missense variant.
Genome position (GRCh38, 1-based): chr17:42,543,667, C>T. VCF-style: chr17-42543667-C-T. GRCh37 (hg19) VCF-style: chr17-40695685-C-T.
Other names: c.1661C>T (NM_000263.3); short protein forms P554L.
Identifiers: ClinVar variation 1374359 (VCV001374359.7), dbSNP rs1166458645, ClinGen allele CA399604382.